The following is an entry in ClinVar:

NM_001042492.3(NF1):c.4096C>T (p.His1366Tyr)

Gene: NF1 (neurofibromin 1; plus strand). Cytogenetic location: 17q11.2.
Variant type: single nucleotide variant.
Coding change: c.4096C>T on transcript NM_001042492.3 (MANE Select); coding-DNA position 4096, C replaced by T.
Protein change: p.His1366Tyr; replaces histidine 1366 with tyrosine.
Molecular consequence: missense variant.
Genome position (GRCh38, 1-based): chr17:31,249,105, C>T. VCF-style: chr17-31249105-C-T. GRCh37 (hg19) VCF-style: chr17-29576123-C-T.
Other names: c.4096C>T, p.His1366Tyr (NM_000267.4); short protein forms H1366Y.
Identifiers: ClinVar variation 2835274 (VCV002835274.4), dbSNP rs1398357469, ClinGen allele CA398995076.

ClinVar aggregate classification (germline): Uncertain significance. Review status: criteria provided, multiple submitters, no conflicts (2 of 4 stars). 2 submissions from 2 submitters: Uncertain significance (2). Last evaluated 2025-10-14.

Conditions:
Neurofibromatosis, type 1 (NF1). Also called: VON RECKLINGHAUSEN DISEASE; NEUROFIBROMATOSIS, TYPE I, SOMATIC; Neurofibromatosis, type I; Peripheral type neurofibromatosis. Identifiers: Orphanet 636, MedGen C0027831, MONDO:0018975, OMIM 162200. Disease mechanism: loss of function.
Cardiovascular phenotype. Identifiers: MedGen CN230736.
Hereditary cancer-predisposing syndrome. Also called: Neoplastic Syndromes, Hereditary; Tumor predisposition; Hereditary Cancer Syndrome; Hereditary neoplastic syndrome. Identifiers: Orphanet 140162, MedGen C0027672, MeSH D009386, MONDO:0015356.

Allele frequency attached by ClinVar (database versions not stated): gnomAD exomes below 0.00001; gnomAD 0.00001; TOPMed 0.00001.
gnomAD v4.1: 3 of 1,613,852 alleles (0.00019%); highest among the groups gnomAD compares: Non-Finnish European, 0.00025%; no homozygotes.

Submissions (2):

Labcorp Genetics (formerly Invitae), Labcorp
Classification: Uncertain significance for Neurofibromatosis, type 1. Last evaluated: 2025-10-14. Review status: criteria provided, single submitter. Criteria: Invitae Variant Classification Sherloc (09022015). Collection method: clinical testing. Allele origin: germline.
Comment: This sequence change replaces histidine, which is basic and polar, with tyrosine, which is neutral and polar, at codon 1366 of the NF1 protein (p.His1366Tyr). This variant is not present in population databases (gnomAD no frequency). This variant has not been reported in the literature in individuals affected with NF1-related conditions. ClinVar contains an entry for this variant (Variation ID: 2835274). Invitae Evidence Modeling of protein sequence and biophysical properties (such as structural, functional, and spatial information, amino acid conservation, physicochemical variation, residue mobility, and thermodynamic stability) indicates that this missense variant is expected to disrupt NF1 protein function with a positive predictive value of 95%. In summary, the available evidence is currently insufficient to determine the role of this variant in disease. Therefore, it has been classified as a Variant of Uncertain Significance.

Ambry Genetics
Classification: Uncertain significance for Cardiovascular phenotype; Hereditary cancer-predisposing syndrome. Last evaluated: 2023-11-30. Review status: criteria provided, single submitter. Criteria: Ambry Variant Classification Scheme 2023. Collection method: clinical testing. Allele origin: germline.
Comment: The p.H1366Y variant (also known as c.4096C>T), located in coding exon 30 of the NF1 gene, results from a C to T substitution at nucleotide position 4096. The histidine at codon 1366 is replaced by tyrosine, an amino acid with similar properties. This amino acid position is highly conserved in available vertebrate species. In addition, this alteration is predicted to be deleterious by in silico analysis. Since supporting evidence is limited at this time, the clinical significance of this alteration remains unclear.